The following is an entry in ClinVar:

ClinVar aggregate classification (germline): Uncertain significance (1 of 4 stars; one submission).

Conditions:
Autosomal recessive limb-girdle muscular dystrophy type 2A (LGMDR1). Also called: Muscular dystrophy, limb-girdle, type 2A, Amish; Calpainopathy; LEYDEN-MOEBIUS MUSCULAR DYSTROPHY; MUSCULAR DYSTROPHY, PELVOFEMORAL; Limb-girdle muscular dystrophy, type 2A. Identifiers: Orphanet 267, MedGen C1869123, MONDO:0009675, OMIM 253600. Disease mechanism: loss of function.

Submission:

Labcorp Genetics (formerly Invitae), Labcorp
Classification: Uncertain significance for Autosomal recessive limb-girdle muscular dystrophy type 2A. Last evaluated: 2024-05-20. Review status: criteria provided, single submitter. Criteria: Invitae Variant Classification Sherloc (09022015). Collection method: clinical testing. Allele origin: germline.
Comment: This sequence change replaces isoleucine, which is neutral and non-polar, with threonine, which is neutral and polar, at codon 413 of the CAPN3 protein (p.Ile413Thr). This variant is not present in population databases (gnomAD no frequency). This missense change has been observed in individual(s) with clinical features of autosomal recessive limb-girdle muscular dystrophy (Invitae). Advanced modeling of protein sequence and biophysical properties (such as structural, functional, and spatial information, amino acid conservation, physicochemical variation, residue mobility, and thermodynamic stability) performed at Invitae indicates that this missense variant is expected to disrupt CAPN3 protein function with a positive predictive value of 80%. In summary, the available evidence is currently insufficient to determine the role of this variant in disease. Therefore, it has been classified as a Variant of Uncertain Significance.

NM_000070.3(CAPN3):c.1238T>C (p.Ile413Thr)

Gene: CAPN3 (calpain 3; plus strand). Cytogenetic location: 15q15.1.
Variant type: single nucleotide variant.
Coding change: c.1238T>C on transcript NM_000070.3 (MANE Select); coding-DNA position 1238, T replaced by C.
Protein change: p.Ile413Thr; replaces isoleucine 413 with threonine.
Molecular consequence: missense variant.
Genome position (GRCh38, 1-based): chr15:42,399,536, T>C. VCF-style: chr15-42399536-T-C. GRCh37 (hg19) VCF-style: chr15-42691734-T-C.
Other names: c.1238T>C, p.Ile413Thr (NM_024344.2); c.1094T>C, p.Ile365Thr (NM_173087.2); c.977T>C, p.Ile326Thr (NM_212464.2); c.*931T>C (NM_212467.2); short protein forms I365T, I413T, I326T.
Identifiers: ClinVar variation 2742388 (VCV002742388.3), dbSNP rs2548273896, ClinGen allele CA391999409.